The following is an entry in ClinVar:

NM_000143.4(FH):c.739-1G>A

Gene: FH (fumarate hydratase; minus strand). Cytogenetic location: 1q43.
Variant type: single nucleotide variant.
Coding change: c.739-1G>A on transcript NM_000143.4 (MANE Select); the canonical splice acceptor site of the intron before coding-DNA position 739, G replaced by A.
Molecular consequence: splice acceptor variant.
Genome position (GRCh38, 1-based): chr1:241,506,169, C>T on the plus strand (G>A on the coding strand, the complement: FH is on the minus strand). VCF-style: chr1-241506169-C-T. GRCh37 (hg19) VCF-style: chr1-241669469-C-T.
Identifiers: ClinVar variation 2700585 (VCV002700585.3), dbSNP rs2527323181, ClinGen allele CA345439132.

ClinVar aggregate classification (germline): Pathogenic (1 of 4 stars; one submission).

Submission:

Labcorp Genetics (formerly Invitae), Labcorp
Classification: Pathogenic. Last evaluated: 2023-12-03. Review status: criteria provided, single submitter. Criteria: Invitae Variant Classification Sherloc (09022015). Collection method: clinical testing. Allele origin: germline.
Comment: This sequence change affects an acceptor splice site in intron 5 of the FH gene. It is expected to disrupt RNA splicing. Variants that disrupt the donor or acceptor splice site typically lead to a loss of protein function (PMID: 16199547), and loss-of-function variants in FH are known to be pathogenic (PMID: 11865300, 21398687). This variant is not present in population databases (gnomAD no frequency). Disruption of this splice site has been observed in individuals with FH tumor predisposition syndrome (Invitae). Algorithms developed to predict the effect of sequence changes on RNA splicing suggest that this variant may disrupt the consensus splice site. For these reasons, this variant has been classified as Pathogenic.

Literature cited by the submitters: PubMed 16199547; PubMed 11865300; PubMed 21398687.